The following is an entry in ClinVar:

ClinVar aggregate classification (germline): Uncertain significance (1 of 4 stars; one submission).

Submission:

GeneDx
Classification: Uncertain significance. Last evaluated: 2026-03-22. Review status: criteria provided, single submitter. Criteria: GeneDx Variant Classification Process June 2021. Collection method: clinical testing. Allele origin: germline.
Comment: Not observed at significant frequency in large population cohorts (gnomAD); In silico analysis supports that this missense variant has a deleterious effect on protein structure/function; Has not been previously published as pathogenic or benign to our knowledge

NM_000245.4(MET):c.3667T>A (p.Phe1223Ile)

Gene: MET (MET proto-oncogene, receptor tyrosine kinase; plus strand). Cytogenetic location: 7q31.2.
Variant type: single nucleotide variant.
Coding change: c.3667T>A on transcript NM_000245.4 (MANE Select); coding-DNA position 3667, T replaced by A.
Protein change: p.Phe1223Ile; replaces phenylalanine 1223 with isoleucine.
Molecular consequence: missense variant.
Genome position (GRCh38, 1-based): chr7:116,783,338, T>A. VCF-style: chr7-116783338-T-A. GRCh37 (hg19) VCF-style: chr7-116423392-T-A.
Other names: c.3721T>A, p.Phe1241Ile (NM_001127500.3); c.2377T>A, p.Phe793Ile (NM_001324402.2); short protein forms F1223I, F1241I, F793I.
Identifiers: ClinVar variation 5017174 (VCV005017174.1).
Genomic context (GRCh38, chr7:116,783,338, plus strand): 5'-GGTAATAATTTTTGTCCTTTCTGTAGGCTGGATGAAAAATTCACAGTCAAGGTTGCTGAT[T>A]TTGGTCTTGCCAGAGACATGTATGATAAAGAATACTATAGTGTACACAACAAAACAGGTG-3'
Protein context (NP_000236.2, residues 1213-1233): DEKFTVKVAD[Phe1223Ile]GLARDMYDKE